The following is an entry in ClinVar:

NM_001009944.3(PKD1):c.8803_8806del (p.Ser2935fs)

Gene: PKD1 (polycystin 1, transient receptor potential channel interacting; minus strand). Cytogenetic location: 16p13.3.
Variant type: Deletion.
Coding change: c.8803_8806del on transcript NM_001009944.3 (MANE Select); coding-DNA positions 8803 to 8806, 4 bases deleted (TCTG; older notation c.8803_8806delTCTG).
Protein change: p.Ser2935fs; shifts the reading frame from serine 2935.
Molecular consequence: frameshift variant.
Genome position (GRCh38, 1-based): chr16:2,102,956-2,102,959, CAGA deleted on the plus strand (TCTG on the coding strand, the reverse complement: PKD1 is on the minus strand); deleting any 4 consecutive bases within chr16:2,102,956-2,102,962 gives the same sequence; the c. name uses the placement nearest the transcript's 3' end. VCF-style (leftmost placement, unchanged base first): chr16-2102955-TCAGA-T. GRCh37 (hg19) VCF-style: chr16-2152956-TCAGA-T.
Other names: c.8803_8806del, p.Ser2935fs (NM_000296.4); short protein forms S2935fs.
Identifiers: ClinVar variation 3335844 (VCV003335844.2).

ClinVar aggregate classification (germline): Pathogenic (1 of 4 stars; one submission).

Conditions:
Polycystic kidney disease, adult type (PKD1). Also called: Polycystic Kidney, Autosomal Dominant; POLYCYSTIC KIDNEY DISEASE 1 WITH OR WITHOUT POLYCYSTIC LIVER DISEASE; POLYCYSTIC KIDNEY DISEASE, ADULT, TYPE I; Polycystic Kidney Disease 1, Autosomal Dominant; Polycystic kidney disease 1; Polycystic kidney disease 1, severe. Identifiers: MedGen C3149841, MONDO:0008263, OMIM 173900.

Submission:

Juno Genomics, Hangzhou Juno Genomics, Inc
Classification: Pathogenic for Polycystic kidney disease, adult type. Review status: criteria provided, single submitter. Criteria: ACMG Guidelines, 2015. Collection method: clinical testing. Allele origin: germline. Affected: yes.
Comment: Absent from controls (or at extremely low frequency if recessive) in Genome Aggregation Database, Exome Sequencing Project, 1000 Genomes Project, or Exome Aggregation Consortium.;Null variant in a gene where loss of function (LOF) is a known mechanism of disease.;Patient's phenotype or family history is highly specific for a disease with a single genetic etiology.